The following is an entry in ClinVar:

NM_000263.4(NAGLU):c.1409A>T (p.Asp470Val)

Gene: NAGLU (N-acetyl-alpha-glucosaminidase; plus strand). Cytogenetic location: 17q21.2.
Variant type: single nucleotide variant.
Coding change: c.1409A>T on transcript NM_000263.4 (MANE Select); coding-DNA position 1409, A replaced by T.
Protein change: p.Asp470Val; replaces aspartic acid 470 with valine.
Molecular consequence: missense variant.
Genome position (GRCh38, 1-based): chr17:42,543,415, A>T. VCF-style: chr17-42543415-A-T. GRCh37 (hg19) VCF-style: chr17-40695433-A-T.
Other names: short protein forms D470V.
Identifiers: ClinVar variation 2183471 (VCV002183471.4), dbSNP rs1599260989, ClinGen allele CA399602364.

ClinVar aggregate classification (germline): Uncertain significance (1 of 4 stars; one submission).

Conditions:
Charcot-Marie-Tooth disease axonal type 2V. Also called: CHARCOT-MARIE-TOOTH NEUROPATHY, TYPE 2V; CHARCOT-MARIE-TOOTH DISEASE, AXONAL, AUTOSOMAL DOMINANT, TYPE 2V. Identifiers: Orphanet 447964, MedGen C5569050, MONDO:0014665, OMIM 616491.
Mucopolysaccharidosis, MPS-III-B (MPS3B). Also called: N-ACETYL-ALPHA-D-GLUCOSAMINIDASE DEFICIENCY; NAGLU DEFICIENCY; SANFILIPPO SYNDROME B; MPS III B; MUCOPOLYSACCHARIDOSIS, TYPE IIIB; MPS IIIB (Sanfilippo Syndrome Type B). Identifiers: Orphanet 79270, MedGen C0086648, MONDO:0009656, OMIM 252920.

Submission:

Labcorp Genetics (formerly Invitae), Labcorp
Classification: Uncertain significance for Charcot-Marie-Tooth disease axonal type 2V; Mucopolysaccharidosis, MPS-III-B. Last evaluated: 2022-09-22. Review status: criteria provided, single submitter. Criteria: Invitae Variant Classification Sherloc (09022015). Collection method: clinical testing. Allele origin: germline.
Comment: Advanced modeling of protein sequence and biophysical properties (such as structural, functional, and spatial information, amino acid conservation, physicochemical variation, residue mobility, and thermodynamic stability) performed at Invitae indicates that this missense variant is expected to disrupt NAGLU protein function. This variant has not been reported in the literature in individuals affected with NAGLU-related conditions. This variant is not present in population databases (gnomAD no frequency). This sequence change replaces aspartic acid, which is acidic and polar, with valine, which is neutral and non-polar, at codon 470 of the NAGLU protein (p.Asp470Val). In summary, the available evidence is currently insufficient to determine the role of this variant in disease. Therefore, it has been classified as a Variant of Uncertain Significance.